The following is an entry in ClinVar:

NM_007294.4(BRCA1):c.3925A>C (p.Asn1309His)

Genes: BRCA1 (BRCA1 DNA repair associated; minus strand), LOC126862571 (BRD4-independent group 4 enhancer GRCh37_chr17:41243136-41244335; plus strand). Cytogenetic location: 17q21.31.
Variant type: single nucleotide variant.
Coding change: c.3925A>C on transcript NM_007294.4 (MANE Select); coding-DNA position 3925, A replaced by C.
Protein change: p.Asn1309His; replaces asparagine 1309 with histidine.
Molecular consequence: missense variant. On other transcripts: intron variant (135).
Genome position (GRCh38, 1-based): chr17:43,091,606, T>G on the plus strand (A>C on the coding strand, the complement: BRCA1 is on the minus strand). VCF-style: chr17-43091606-T-G. GRCh37 (hg19) VCF-style: chr17-41243623-T-G.
Other names: c.785-574A>C (NM_001408399.1, NM_001407984.1, NM_001408397.1 and 13 more transcripts); c.665-574A>C (NM_001408443.1, NM_001408439.1, NM_001408425.1 and 12 more transcripts); c.644-574A>C (NM_001408465.1, NM_001408470.1, NM_001408464.1 and 3 more transcripts); c.578-574A>C (NM_001408482.1, NM_001408481.1, NM_001408480.1 and 9 more transcripts); c.671-574A>C (NM_001408419.1, NM_001408423.1, NM_001408420.1 and 2 more transcripts); c.788-574A>C (NM_001408403.1, NM_001407983.1, NM_001407975.1 and 17 more transcripts); c.791-583A>C (NM_001408406.1); c.647-574A>C (NM_001408456.1, NM_001408458.1, NM_001408469.1 and 11 more transcripts); and 41 more; short protein forms N1262H, N1309H, N1181H, N1198H, N1221H, N1239H, N1241H, N1261H.
Identifiers: ClinVar variation 919379 (VCV000919379.6), dbSNP rs2053499636, ClinGen allele CA10594112.

ClinVar aggregate classification (germline): Conflicting classifications of pathogenicity. Review status: criteria provided, conflicting classifications (1 of 4 stars). 2 submissions from 2 submitters: Uncertain significance (1); Likely benign (1). Last evaluated 2023-03-23.

Conditions:
Hereditary cancer-predisposing syndrome. Also called: Neoplastic Syndromes, Hereditary; Tumor predisposition; Hereditary Cancer Syndrome; Hereditary neoplastic syndrome. Identifiers: Orphanet 140162, MedGen C0027672, MeSH D009386, MONDO:0015356.

Submissions (2):

University of Washington Department of Laboratory Medicine, University of Washington
Classification: Likely benign for Hereditary cancer-predisposing syndrome. Last evaluated: 2023-03-23. Review status: criteria provided, single submitter. Criteria: Dines et al. (Genet Med. 2020). Collection method: curation. Allele origin: germline.
Comment: Missense variant in a coldspot region where missense variants are very unlikely to be pathogenic (PMID:31911673).

BRCA1 coldspot (exon 11 using historical exon numbering). Reclassification based on statistical prior probability

Color Diagnostics, LLC DBA Color Health
Classification: Uncertain significance for Hereditary cancer-predisposing syndrome. Last evaluated: 2019-10-22. Review status: criteria provided, single submitter. Criteria: ACMG Guidelines, 2015. Collection method: clinical testing. Allele origin: germline.
Comment: This missense variant replaces asparagine with histidine at codon 1309 of the BRCA1 protein. Computational prediction suggests that this variant may not impact protein structure and function (internally defined REVEL score threshold <= 0.5, PMID: 27666373). Splice site prediction tools suggest that this variant may not impact RNA splicing. To our knowledge, functional studies have not been performed for this variant. This variant has not been reported in individuals affected with hereditary cancer in the literature. This variant has not been identified in the general population by the Genome Aggregation Database (gnomAD). The available evidence is insufficient to determine the role of this variant in disease conclusively. Therefore, this variant is classified as a Variant of Uncertain Significance.